The following is an entry in ClinVar:

ClinVar aggregate classification (germline): Pathogenic (1 of 4 stars; one submission).

Conditions:
Developmental and epileptic encephalopathy, 9 (DEE9). Also called: PCDH19-Related X-Linked Female-Limited Epilepsy with Mental Retardation; Early infantile epileptic encephalopathy 9; EPILEPSY, FEMALE-RESTRICTED, WITH MENTAL RETARDATION; JUBERG-HELLMAN SYNDROME. Identifiers: Orphanet 101039, Orphanet 2076, MedGen C1848137, MONDO:0010246, OMIM 300088. Disease mechanism: loss of function.

Submission:

Labcorp Genetics (formerly Invitae), Labcorp
Classification: Pathogenic for Developmental and epileptic encephalopathy, 9. Last evaluated: 2020-06-08. Review status: criteria provided, single submitter. Criteria: Invitae Variant Classification Sherloc (09022015). Collection method: clinical testing. Allele origin: germline.
Comment: This sequence change replaces aspartic acid with glycine at codon 341 of the PCDH19 protein (p.Asp341Gly). The aspartic acid residue is highly conserved and there is a moderate physicochemical difference between aspartic acid and glycine. This variant is not present in population databases (ExAC no frequency). This variant has been observed in individual(s) with PCDH19-related conditions (PMID: 23334464). In at least one individual the variant was observed to be de novo. Algorithms developed to predict the effect of missense changes on protein structure and function (SIFT, PolyPhen-2, Align-GVGD) all suggest that this variant is likely to be disruptive, but these predictions have not been confirmed by published functional studies and their clinical significance is uncertain. This variant disrupts the p.Asp341 amino acid residue in PCDH19. Other variant(s) that disrupt this residue have been determined to be pathogenic (PMID: 21053371). This suggests that this residue is clinically significant, and that variants that disrupt this residue are likely to be disease-causing. For these reasons, this variant has been classified as Pathogenic.

Literature cited by the submitters: PubMed 23334464; PubMed 21053371.

NM_001184880.2(PCDH19):c.1022A>G (p.Asp341Gly)

Gene: PCDH19 (protocadherin 19; minus strand). Cytogenetic location: Xq22.1.
Variant type: single nucleotide variant.
Coding change: c.1022A>G on transcript NM_001184880.2 (MANE Select); coding-DNA position 1022, A replaced by G.
Protein change: p.Asp341Gly; replaces aspartic acid 341 with glycine.
Molecular consequence: missense variant.
Genome position (GRCh38, 1-based): chrX:100,407,576, T>C on the plus strand (A>G on the coding strand, the complement: PCDH19 is on the minus strand). VCF-style: chrX-100407576-T-C. GRCh37 (hg19) VCF-style: chrX-99662574-T-C.
Other names: c.1022A>G, p.Asp341Gly (NM_001105243.2, NM_020766.3); short protein forms D341G.
Identifiers: ClinVar variation 1071428 (VCV001071428.9), dbSNP rs2147539926, ClinGen allele CA414004691.